The following is an entry in ClinVar:

NM_015937.6(PIGT):c.270A>C (p.Thr90=)

Gene: PIGT (phosphatidylinositol glycan anchor biosynthesis class T; plus strand). Cytogenetic location: 20q13.12.
Variant type: single nucleotide variant.
Coding change: c.270A>C on transcript NM_015937.6 (MANE Select); coding-DNA position 270, A replaced by C.
Protein change: p.Thr90=; no amino-acid change (threonine 90 retained).
Molecular consequence: synonymous variant. On other transcripts: non-coding transcript variant (3), intron variant (1).
Genome position (GRCh38, 1-based): chr20:45,416,599, A>C. VCF-style: chr20-45416599-A-C. GRCh37 (hg19) VCF-style: chr20-44045239-A-C.
Other names: c.270A>C, p.Thr90= (NM_001184728.3, NM_001184729.3); c.187+256A>C (NM_001184730.3).
Identifiers: ClinVar variation 3027332 (VCV003027332.22), dbSNP rs1468857927, ClinGen allele CA510615612.
Genomic context (GRCh38, chr20:45,416,599, plus strand): 5'-CAAAGCCCTGGGGCAGCTGATCTCCAAGTATTCTCTACGGGAGCTGCACCTGTCATTCAC[A>C]CAAGGCTTTTGGAGGACCCGATACTGGGGGCCACCCTTCCTGCAGGCCCCATCAGGTGCA-3'
Protein context (NP_057021.2, residues 80-100): YSLRELHLSF[Thr90=]QGFWRTRYWG

ClinVar aggregate classification (germline): Likely benign (1 of 4 stars; one submission).

gnomAD v4.1: 1 of 1,614,170 alleles (0.000062%); highest among the groups gnomAD compares: Non-Finnish European, 0.000085%; no homozygotes.

Submission:

CeGaT Center for Human Genetics Tuebingen
Classification: Likely benign. Last evaluated: 2024-02-01. Review status: criteria provided, single submitter. Criteria: CeGaT Center For Human Genetics Tuebingen Variant Classification Criteria Version 2. Collection method: clinical testing. Allele origin: germline. Affected: yes. Observed: 1 variant allele.
Comment: PIGT: PM2:Supporting, BP4, BP7